The following is an entry in ClinVar:

ClinVar aggregate classification (germline): Pathogenic (1 of 4 stars; one submission).

Submission:

Quest Diagnostics Nichols Institute San Juan Capistrano
Classification: Pathogenic. Last evaluated: 2022-10-28. Review status: criteria provided, single submitter. Criteria: ACMG/ClinGen CNV Guidelines, 2019. Collection method: clinical testing. Allele origin: unknown.
Comment: This duplication involves numerous protein coding genes and overlaps the 17q12 duplication syndrome (OMIM 614526) region (Rasmussen M, et al. Am J Med Genet Part A, 2016 Nov;170(11):2934-2942 PMID: 27409573; Mefford, et al., Am J Hum Genet. 2007 Nov;81(5):1057-69. PMID: 17924346. Nagamani, et al., Eur J Hum Genet. 2010 Mar;18(3):278-84. PMID: 19844256). Most 17q12 duplication cases are familial and inherited from unaffected parents. Thus, based on current literature and gene content, this copy number variant is classified as pathogenic with variable expressivity and reduced penetrance.

GRCh37/hg19 17q12(chr17:34440083-36410559)x3

Genes: AATF (apoptosis antagonizing transcription factor; plus strand), ACACA (acetyl-CoA carboxylase alpha; minus strand), C17orf78 (chromosome 17 open reading frame 78; plus strand), CCL3L1 (C-C motif chemokine ligand 3 like 1; minus strand), CCL3L3 (C-C motif chemokine ligand 3 like 3; minus strand) and 19 more. Cytogenetic location: 17q12.
Variant type: copy number gain.
Change: copy number 3 (three copies instead of two) of chr17:34,440,083-36,410,559 (1.97 Mb, GRCh37 coordinates, 1-based), cytogenetic band 17q12.
Identifiers: ClinVar variation 2684846 (VCV002684846.1).